The following is an entry in ClinVar:

NM_002473.6(MYH9):c.167T>A (p.Val56Glu)

Gene: MYH9 (myosin heavy chain 9; minus strand). Cytogenetic location: 22q12.3.
Variant type: single nucleotide variant.
Coding change: c.167T>A on transcript NM_002473.6 (MANE Select); coding-DNA position 167, T replaced by A.
Protein change: p.Val56Glu; replaces valine 56 with glutamic acid.
Molecular consequence: missense variant.
Genome position (GRCh38, 1-based): chr22:36,349,070, A>T on the plus strand (T>A on the coding strand, the complement: MYH9 is on the minus strand). VCF-style: chr22-36349070-A-T. GRCh37 (hg19) VCF-style: chr22-36745115-A-T.
Other names: short protein forms V56E.
Identifiers: ClinVar variation 2632612 (VCV002632612.1), dbSNP rs2518022823, ClinGen allele CA411549396.
Genomic context (GRCh38, chr22:36,349,070, plus strand): 5'-TTCATCTTCTGGATGTCATCCTTGTTCACCTTCACCTTCTTCCCATTCTCCACCAGCTCC[A>T]CGATGGCCTCTTCGCCCACCTCCTCCTTGAGGCTGGCTGGCTCAAAGCCACTCTTGTCGG-3'
Protein context (NP_002464.1, residues 46-66): LKEEVGEEAI[Val56Glu]ELVENGKKVK

ClinVar aggregate classification (germline): Uncertain significance (1 of 4 stars; one submission).

Conditions:
MYH9-related disorder. Identifiers: MedGen C1854520.

Submission:

PreventionGenetics, part of Exact Sciences
Classification: Uncertain significance for MYH9-related condition. Last evaluated: 2023-06-07. Review status: criteria provided, single submitter. Criteria: ACMG Guidelines, 2015. Collection method: clinical testing. Allele origin: germline.
Comment: The MYH9 c.167T>A variant is predicted to result in the amino acid substitution p.Val56Glu. To our knowledge, this variant has not been reported in the literature or in a large population database, indicating this variant is rare. At this time, the clinical significance of this variant is uncertain due to the absence of conclusive functional and genetic evidence.